The following is an entry in ClinVar:

NM_018418.5(SPATA7):c.1252G>A (p.Asp418Asn)

Gene: SPATA7 (spermatogenesis associated 7; plus strand). Cytogenetic location: 14q31.3.
Variant type: single nucleotide variant.
Coding change: c.1252G>A on transcript NM_018418.5 (MANE Select); coding-DNA position 1252, G replaced by A.
Protein change: p.Asp418Asn; replaces aspartic acid 418 with asparagine.
Molecular consequence: missense variant.
Genome position (GRCh38, 1-based): chr14:88,437,874, G>A. VCF-style: chr14-88437874-G-A. GRCh37 (hg19) VCF-style: chr14-88904218-G-A.
Other names: c.1156G>A, p.Asp386Asn (NM_001040428.4); short protein forms D418N, D386N.
Identifiers: ClinVar variation 2188794 (VCV002188794.4), dbSNP rs776178227, ClinGen allele CA390570965.
Genomic context (GRCh38, chr14:88,437,874, plus strand): 5'-AGTCTCATCTTTTCTTAATCCTAGGAAAAAATGCGCCACCTGCTGCATGTCCTGAAAGTA[G>A]ACTTAGGCTGCACATCGGAGGAAAACTCGGTAAAGCAAAATGATGTTGATATGTTGAATG-3'
Protein context (NP_060888.2, residues 408-428): MRHLLHVLKV[Asp418Asn]LGCTSEENSV

ClinVar aggregate classification (germline): Uncertain significance (1 of 4 stars; one submission).

Conditions:
Leber congenital amaurosis 3 (LCA3). Also called: SPATA7-Related Retinitis Pigmentosa. Identifiers: MedGen C1858677, MONDO:0011415, OMIM 604232.

gnomAD v4.1: 3 of 1,608,000 alleles (0.00019%); highest among the groups gnomAD compares: African/African-American, 0.004%; no homozygotes.

Submission:

Labcorp Genetics (formerly Invitae), Labcorp
Classification: Uncertain significance for Leber congenital amaurosis 3. Last evaluated: 2022-05-06. Review status: criteria provided, single submitter. Criteria: Invitae Variant Classification Sherloc (09022015). Collection method: clinical testing. Allele origin: germline.
Comment: In summary, the available evidence is currently insufficient to determine the role of this variant in disease. Therefore, it has been classified as a Variant of Uncertain Significance. Algorithms developed to predict the effect of missense changes on protein structure and function output the following: SIFT: "Deleterious"; PolyPhen-2: "Benign"; Align-GVGD: "Class C15". The asparagine amino acid residue is found in multiple mammalian species, which suggests that this missense change does not adversely affect protein function. This variant has not been reported in the literature in individuals affected with SPATA7-related conditions. This variant is present in population databases (no rsID available, gnomAD 0.008%). This sequence change replaces aspartic acid, which is acidic and polar, with asparagine, which is neutral and polar, at codon 418 of the SPATA7 protein (p.Asp418Asn).